The following is an entry in ClinVar:

ClinVar aggregate classification (germline): Uncertain significance. Review status: criteria provided, multiple submitters, no conflicts (2 of 4 stars). 2 submissions from 2 submitters: Uncertain significance (2). Last evaluated 2022-08-17.

Conditions:
Cardiovascular phenotype. Identifiers: MedGen CN230736.
Hypertrophic cardiomyopathy. Also called: HYPERTROPHIC MYOCARDIOPATHY. Identifiers: Orphanet 217569, MedGen C0007194, MeSH D002312, MONDO:0005045, HP:0001639.

Submissions (2):

Ambry Genetics
Classification: Uncertain significance for Cardiovascular phenotype. Last evaluated: 2022-08-17. Review status: criteria provided, single submitter. Criteria: Ambry Variant Classification Scheme 2023. Collection method: clinical testing. Allele origin: germline.

Labcorp Genetics (formerly Invitae), Labcorp
Classification: Uncertain significance for Hypertrophic cardiomyopathy. Last evaluated: 2022-08-07. Review status: criteria provided, single submitter. Criteria: Invitae Variant Classification Sherloc (09022015). Collection method: clinical testing. Allele origin: germline.
Comment: This sequence change replaces lysine, which is basic and polar, with threonine, which is neutral and polar, at codon 5 of the MYL3 protein (p.Lys5Thr). This variant is not present in population databases (gnomAD no frequency). This variant has not been reported in the literature in individuals affected with MYL3-related conditions. Algorithms developed to predict the effect of missense changes on protein structure and function are either unavailable or do not agree on the potential impact of this missense change (SIFT: "Deleterious"; PolyPhen-2: "Not Available"; Align-GVGD: "Class C0"). In summary, the available evidence is currently insufficient to determine the role of this variant in disease. Therefore, it has been classified as a Variant of Uncertain Significance.

NM_000258.3(MYL3):c.14A>C (p.Lys5Thr)

Gene: MYL3 (myosin light chain 3; minus strand). Cytogenetic location: 3p21.31.
Variant type: single nucleotide variant.
Coding change: c.14A>C on transcript NM_000258.3 (MANE Select); coding-DNA position 14, A replaced by C.
Protein change: p.Lys5Thr; replaces lysine 5 with threonine.
Molecular consequence: missense variant.
Genome position (GRCh38, 1-based): chr3:46,863,377, T>G on the plus strand (A>C on the coding strand, the complement: MYL3 is on the minus strand). VCF-style: chr3-46863377-T-G. GRCh37 (hg19) VCF-style: chr3-46904867-T-G.
Other names: c.14A>C, p.Lys5Thr (NM_001406937.1, NM_001406938.1, NM_001406939.1); short protein forms K5T.
Identifiers: ClinVar variation 1715451 (VCV001715451.7), dbSNP rs2544972081, ClinGen allele CA352499944.
Genomic context (GRCh38, chr3:46,863,377, plus strand): 5'-GGTGCGGGAGCTGGAGCTGCCTTGGGGGCTGCCTTGGCATCATCCTTCTTGGGCTCTGGC[T>G]TTTTGGGGGCCATTGGGGGCTGTAAGTACAGAGAGGGATGTGGAGAGAAGAATGCAGAAA-3'
Protein context (NP_000249.1, residues 1-15): MAPK[Lys5Thr]PEPKKDDAKA